The following is an entry in ClinVar:

NM_001003841.3(SLC6A19):c.718C>T (p.Arg240Ter)

Gene: SLC6A19 (solute carrier family 6 member 19; plus strand). Cytogenetic location: 5p15.33.
Variant type: single nucleotide variant.
Coding change: c.718C>T on transcript NM_001003841.3 (MANE Select); coding-DNA position 718, C replaced by T.
Protein change: p.Arg240Ter; replaces arginine 240 with a stop codon.
Molecular consequence: nonsense.
Genome position (GRCh38, 1-based): chr5:1,213,517, C>T. VCF-style: chr5-1213517-C-T. GRCh37 (hg19) VCF-style: chr5-1213632-C-T.
Other names: short protein forms R240*.
Identifiers: ClinVar variation 2020 (VCV000002020.13), dbSNP rs121434347, ClinGen allele CA115308.

ClinVar aggregate classification (germline): Pathogenic. Review status: criteria provided, multiple submitters, no conflicts (2 of 4 stars). 6 submissions from 6 submitters: Pathogenic (5). 1 of the submissions does not count toward it. Last evaluated 2025-08-28.

Conditions:
Iminoglycinuria. Identifiers: Orphanet 42062, MedGen C0268654, MONDO:0009448, OMIM 242600.
Neutral 1 amino acid transport defect (HND). Also called: HARTNUP DISORDER; Hartnup disease. Identifiers: Orphanet 2116, MedGen C0018609, MONDO:0009324, OMIM 234500.
Hyperglycinuria. Also called: GLYCINURIA WITH OR WITHOUT OXALATE NEPHROLITHIASIS; GLYCINURIA WITH OR WITHOUT OXALATE UROLITHIASIS; IMINOGLYCINURIA TYPE II. Identifiers: MedGen C0543541, MONDO:0007677, OMIM 138500, HP:0003108.

Allele frequency attached by ClinVar (database versions not stated): TOPMed 0.00003; gnomAD 0.00004; gnomAD exomes 0.00003 and 0.00004; ExAC 0.00005.
gnomAD v4.1: 50 of 1,610,318 alleles (0.0031%); highest among the groups gnomAD compares: Middle Eastern, 0.033%; no homozygotes.

Submissions (6):

Dasa
Classification: Pathogenic for Neutral 1 amino acid transport defect. Last evaluated: 2025-08-28. Review status: criteria provided, single submitter. Criteria: DASA Assertion Criteria. Collection method: clinical testing. Allele origin: germline.
Comment: NM_001003841.3(SLC6A19):c.718C>T (p.Arg240*) introduces a premature stop codon leading to predicted loss of protein function. Loss-of-function is an established mechanism of disease for this gene, and the variant has been reported in affected individuals with Hartnup disease (PMID: 39611136). Additionally, it is present at low frequency in population datasets. Based on the available data, this variant is classified as pathogenic.

Labcorp Genetics (formerly Invitae), Labcorp
Classification: Pathogenic. Last evaluated: 2024-06-19. Review status: criteria provided, single submitter. Criteria: Invitae Variant Classification Sherloc (09022015). Collection method: clinical testing. Allele origin: germline.
Comment: This sequence change creates a premature translational stop signal (p.Arg240*) in the SLC6A19 gene. It is expected to result in an absent or disrupted protein product. Loss-of-function variants in SLC6A19 are known to be pathogenic (PMID: 15286787, 15286788). This variant is present in population databases (rs121434347, gnomAD 0.02%). This premature translational stop signal has been observed in individual(s) with Hartnup disorder (PMID: 15286788). ClinVar contains an entry for this variant (Variation ID: 2020). For these reasons, this variant has been classified as Pathogenic.

Institute of Human Genetics, University of Leipzig Medical Center
Classification: Pathogenic for Neutral 1 amino acid transport defect. Last evaluated: 2023-01-17. Review status: criteria provided, single submitter. Criteria: ACMG Guidelines, 2015. Collection method: clinical testing. Allele origin: maternal. Inheritance: Autosomal recessive inheritance. Affected: yes.
Comment: Criteria applied: PVS1,PS4_MOD,PM2_SUP

Fulgent Genetics
Classification: Pathogenic for Hyperglycinuria; Neutral 1 amino acid transport defect; Iminoglycinuria. Last evaluated: 2022-02-19. Review status: criteria provided, single submitter. Criteria: ACMG Guidelines, 2015. Collection method: clinical testing. Allele origin: unknown.

Juno Genomics, Hangzhou Juno Genomics, Inc
Classification: Pathogenic for Neutral 1 amino acid transport defect. Review status: criteria provided, single submitter. Criteria: ACMG Guidelines, 2015. Collection method: clinical testing. Allele origin: germline.
Comment: Absent from controls (or at extremely low frequency if recessive) in Genome Aggregation Database.;Null variant in a gene where loss of function (LOF) is a known mechanism of disease.;For recessive disorders, detected in trans with a pathogenic variant.;Patient's phenotype or family history is highly specific for a disease with a single genetic etiology.

OMIM
Classification: Pathogenic for HARTNUP DISORDER. Last evaluated: 2004-09-01. Review status: no assertion criteria provided. Collection method: literature only. Allele origin: germline. Not counted in ClinVar's aggregate classification.

Literature cited by the submitters: PubMed 39611136 (cited by Dasa); PubMed 15286787 (cited by Labcorp Genetics (formerly Invitae), Labcorp); PubMed 15286788 (cited by Labcorp Genetics (formerly Invitae), Labcorp and OMIM).